The following is an entry in ClinVar:

Conditions:
Arteriohepatic dysplasia. Also called: Alagille Syndrome. Identifiers: Orphanet 52, MedGen C0085280, MeSH D016738, MONDO:0007318.

Submission:

Gilbert/Spinner Lab, Children's Hospital of Philadelphia
No classification provided (evidence only). Condition: Alagille syndrome. Review status: no classification provided. Collection method: research. Allele origin: not applicable. Functional consequence: functionally_abnormal.
ClinVar note: "not provided" was previously submitted as the classification for the variant. However, the classification appeared to be based only on an observation of functional data so it was converted to no classification on 2025-07-30.

NM_000214.3(JAG1):c.516G>T (p.Gln172His)

Gene: JAG1 (jagged canonical Notch ligand 1; minus strand). Cytogenetic location: 20p12.2.
Variant type: single nucleotide variant.
Coding change: c.516G>T on transcript NM_000214.3 (MANE Select); coding-DNA position 516, G replaced by T.
Protein change: p.Gln172His; replaces glutamine 172 with histidine.
Molecular consequence: missense variant.
Genome position (GRCh38, 1-based): chr20:10,658,646, C>A on the plus strand (G>T on the coding strand, the complement: JAG1 is on the minus strand). VCF-style: chr20-10658646-C-A. GRCh37 (hg19) VCF-style: chr20-10639294-C-A.
Other names: short protein forms Q172H.
Identifiers: ClinVar variation 3573320 (VCV003573320.2).